The following is an entry in ClinVar:

ClinVar aggregate classification (germline): Uncertain significance. Review status: criteria provided, multiple submitters, no conflicts (2 of 4 stars). 2 submissions from 2 submitters: Uncertain significance (2). Last evaluated 2025-03-20.

Allele frequency attached by ClinVar (database versions not stated): gnomAD exomes 0.00001; TOPMed 0.00006.

Submissions (2):

Labcorp Genetics (formerly Invitae), Labcorp
Classification: Uncertain significance. Last evaluated: 2025-03-20. Review status: criteria provided, single submitter. Criteria: Invitae Variant Classification Sherloc (09022015). Collection method: clinical testing. Allele origin: germline.
Comment: This sequence change replaces asparagine, which is neutral and polar, with serine, which is neutral and polar, at codon 78 of the IL12RB2 protein (p.Asn78Ser). This variant is not present in population databases (gnomAD no frequency). This variant has not been reported in the literature in individuals affected with IL12RB2-related conditions. ClinVar contains an entry for this variant (Variation ID: 1958973). An algorithm developed to predict the effect of missense changes on protein structure and function outputs the following: PolyPhen-2: "Benign". The serine amino acid residue is found in multiple mammalian species, which suggests that this missense change does not adversely affect protein function. In summary, the available evidence is currently insufficient to determine the role of this variant in disease. Therefore, it has been classified as a Variant of Uncertain Significance.

Ambry Genetics
Classification: Uncertain significance. Last evaluated: 2023-12-15. Review status: criteria provided, single submitter. Criteria: Ambry Variant Classification Scheme 2023. Collection method: clinical testing. Allele origin: germline.

NM_001374259.2(IL12RB2):c.233A>G (p.Asn78Ser)

Gene: IL12RB2 (interleukin 12 receptor subunit beta 2; plus strand). Cytogenetic location: 1p31.3.
Variant type: single nucleotide variant.
Coding change: c.233A>G on transcript NM_001374259.2 (MANE Select); coding-DNA position 233, A replaced by G.
Protein change: p.Asn78Ser; replaces asparagine 78 with serine.
Molecular consequence: missense variant. On other transcripts: non-coding transcript variant (2).
Genome position (GRCh38, 1-based): chr1:67,321,758, A>G. VCF-style: chr1-67321758-A-G. GRCh37 (hg19) VCF-style: chr1-67787441-A-G.
Other names: c.233A>G, p.Asn78Ser (NM_001258214.1, NM_001258215.1, NM_001258216.1 and 2 more transcripts); c.233A>G (NM_001559.2); short protein forms N78S.
Identifiers: ClinVar variation 1958973 (VCV001958973.6), dbSNP rs918393269, ClinGen allele CA23495615.